The following is an entry in ClinVar:

NM_015100.4(POGZ):c.496G>A (p.Ala166Thr)

Gene: POGZ (pogo transposable element derived with ZNF domain; minus strand). Cytogenetic location: 1q21.3.
Variant type: single nucleotide variant.
Coding change: c.496G>A on transcript NM_015100.4 (MANE Select); coding-DNA position 496, G replaced by A.
Protein change: p.Ala166Thr; replaces alanine 166 with threonine.
Molecular consequence: missense variant. On other transcripts: intron variant (1).
Genome position (GRCh38, 1-based): chr1:151,429,675, C>T on the plus strand (G>A on the coding strand, the complement: POGZ is on the minus strand). VCF-style: chr1-151429675-C-T. GRCh37 (hg19) VCF-style: chr1-151402151-C-T.
Other names: c.496G>A, p.Ala166Thr (NM_001194937.2); c.337G>A, p.Ala113Thr (NM_001194938.2, NM_207171.2); c.284-1262G>A (NM_145796.4); short protein forms A113T, A166T.
Identifiers: ClinVar variation 1476346 (VCV001476346.6), dbSNP rs2102303092, ClinGen allele CA341980952.

ClinVar aggregate classification (germline): Uncertain significance (1 of 4 stars; one submission).

Submission:

Labcorp Genetics (formerly Invitae), Labcorp
Classification: Uncertain significance. Last evaluated: 2021-10-29. Review status: criteria provided, single submitter. Criteria: Invitae Variant Classification Sherloc (09022015). Collection method: clinical testing. Allele origin: germline.
Comment: In summary, the available evidence is currently insufficient to determine the role of this variant in disease. Therefore, it has been classified as a Variant of Uncertain Significance. Algorithms developed to predict the effect of missense changes on protein structure and function are either unavailable or do not agree on the potential impact of this missense change (SIFT: "Deleterious"; PolyPhen-2: "Benign"; Align-GVGD: "Class C0"). This missense change has been observed in individual(s) with clinical features of White-Sutton syndrome (Invitae). This variant is not present in population databases (gnomAD no frequency). This sequence change replaces alanine, which is neutral and non-polar, with threonine, which is neutral and polar, at codon 166 of the POGZ protein (p.Ala166Thr).